The following is an entry in ClinVar:

NM_024675.4(PALB2):c.2941A>G (p.Ser981Gly)

Gene: PALB2 (partner and localizer of BRCA2; minus strand). Cytogenetic location: 16p12.2.
Variant type: single nucleotide variant.
Coding change: c.2941A>G on transcript NM_024675.4 (MANE Select); coding-DNA position 2941, A replaced by G.
Protein change: p.Ser981Gly; replaces serine 981 with glycine.
Molecular consequence: missense variant.
Genome position (GRCh38, 1-based): chr16:23,623,024, T>C on the plus strand (A>G on the coding strand, the complement: PALB2 is on the minus strand). VCF-style: chr16-23623024-T-C. GRCh37 (hg19) VCF-style: chr16-23634345-T-C.
Other names: short protein forms S981G.
Identifiers: ClinVar variation 830182 (VCV000830182.5), dbSNP rs1460156504, ClinGen allele CA395144108.

ClinVar aggregate classification (germline): Uncertain significance. Review status: criteria provided, single submitter (1 of 4 stars). 2 submissions from 2 submitters: Uncertain significance (1). 1 of the submissions does not count toward it. Last evaluated 2021-12-16.

Conditions:
Familial cancer of breast. Also called: BREAST CANCER, FAMILIAL; Hereditary breast cancer; hereditary breast carcinoma. Identifiers: Orphanet 227535, MedGen C0346153, MONDO:0016419, OMIM 114480. Disease mechanism: loss of function.

Submissions (2):

Labcorp Genetics (formerly Invitae), Labcorp
Classification: Uncertain significance for Familial cancer of breast. Last evaluated: 2021-12-16. Review status: criteria provided, single submitter. Criteria: Invitae Variant Classification Sherloc (09022015). Collection method: clinical testing. Allele origin: germline.
Comment: In summary, the available evidence is currently insufficient to determine the role of this variant in disease. Therefore, it has been classified as a Variant of Uncertain Significance. Algorithms developed to predict the effect of missense changes on protein structure and function (SIFT, PolyPhen-2, Align-GVGD) all suggest that this variant is likely to be tolerated. ClinVar contains an entry for this variant (Variation ID: 830182). This variant has not been reported in the literature in individuals affected with PALB2-related conditions. This variant is not present in population databases (gnomAD no frequency). This sequence change replaces serine, which is neutral and polar, with glycine, which is neutral and non-polar, at codon 981 of the PALB2 protein (p.Ser981Gly).

Leiden Open Variation Database
Classification: Uncertain significance. Last evaluated: 2018-08-25. Review status: no assertion criteria provided. Collection method: curation. Allele origin: germline. Affected: yes. Not counted in ClinVar's aggregate classification.
Comment: Curators: Marc Tischkowitz, Arleen D. Auerbach. Submitter to LOVD: Yukihide Momozawa.

Literature cited by the submitters: PubMed 30287823 (cited by Leiden Open Variation Database).